The following is an entry in ClinVar:

NM_000183.3(HADHB):c.740G>A (p.Arg247His)

Gene: HADHB (hydroxyacyl-CoA dehydrogenase trifunctional multienzyme complex subunit beta; plus strand). Cytogenetic location: 2p23.3.
Variant type: single nucleotide variant.
Coding change: c.740G>A on transcript NM_000183.3 (MANE Select); coding-DNA position 740, G replaced by A.
Protein change: p.Arg247His; replaces arginine 247 with histidine.
Molecular consequence: missense variant.
Genome position (GRCh38, 1-based): chr2:26,279,244, G>A. VCF-style: chr2-26279244-G-A. GRCh37 (hg19) VCF-style: chr2-26502112-G-A.
Other names: c.695G>A, p.Arg232His (NM_001281512.2); c.674G>A, p.Arg225His (NM_001281513.2); short protein forms R247H, R232H, R225H.
Identifiers: ClinVar variation 14846 (VCV000014846.22), dbSNP rs121913133, ClinGen allele CA341340.

ClinVar aggregate classification (germline): Pathogenic/Likely pathogenic. Review status: criteria provided, multiple submitters, no conflicts (2 of 4 stars). 6 submissions from 6 submitters: Pathogenic (1); Likely pathogenic (4). 1 of the submissions does not count toward it. Last evaluated 2025-01-01.

Conditions:
HADHB-related disorders.
Mitochondrial trifunctional protein deficiency 1 (MTPD1). Identifiers: MedGen CN376812, MONDO:0958181, OMIM 609015.
Mitochondrial trifunctional protein deficiency 2 (MTPD2). Identifiers: MedGen C5830374, MONDO:0958185, OMIM 620300.
Mitochondrial trifunctional protein deficiency. Identifiers: Orphanet 746, MedGen C1969443, MONDO:0012172.

Allele frequency attached by ClinVar (database versions not stated): ExAC 0.00001; gnomAD exomes 0.00001; TOPMed 0.00001.
gnomAD v4.1: 16 of 1,613,092 alleles (0.00099%); highest among the groups gnomAD compares: Non-Finnish European, 0.0013%; no homozygotes.

Submissions (6):

CeGaT Center for Human Genetics Tuebingen
Classification: Likely pathogenic. Last evaluated: 2025-01-01. Review status: criteria provided, single submitter. Criteria: CeGaT Center For Human Genetics Tuebingen Variant Classification Criteria Version 2. Collection method: clinical testing. Allele origin: germline. Affected: yes. Observed: 1 variant allele.
Comment: HADHB: PM2, PM3, PM5, PS3:Supporting

Baylor Genetics
Classification: Likely pathogenic for Mitochondrial trifunctional protein deficiency 1. Last evaluated: 2024-02-04. Review status: criteria provided, single submitter. Criteria: ACMG Guidelines, 2015. Collection method: clinical testing. Allele origin: unknown.

Blueprint Genetics
Classification: Likely pathogenic for HADHB-related disorders. Last evaluated: 2024-01-04. Review status: criteria provided, single submitter. Criteria: ACMG Guidelines, 2015. Collection method: clinical testing. Allele origin: germline. Affected: yes. Observed: 1 variant allele.

Labcorp Genetics (formerly Invitae), Labcorp
Classification: Pathogenic for Mitochondrial trifunctional protein deficiency. Last evaluated: 2023-09-22. Review status: criteria provided, single submitter. Criteria: Invitae Variant Classification Sherloc (09022015). Collection method: clinical testing. Allele origin: germline.
Comment: For these reasons, this variant has been classified as Pathogenic. This variant disrupts the p.Arg247 amino acid residue in HADHB. Other variant(s) that disrupt this residue have been observed in individuals with HADHB-related conditions (PMID: 19699128), which suggests that this may be a clinically significant amino acid residue. Advanced modeling of protein sequence and biophysical properties (such as structural, functional, and spatial information, amino acid conservation, physicochemical variation, residue mobility, and thermodynamic stability) performed at Invitae indicates that this missense variant is expected to disrupt HADHB protein function. ClinVar contains an entry for this variant (Variation ID: 14846). This missense change has been observed in individuals with mitochondrial trifunctional protein deficiency (PMID: 8651282, 12754706). This variant is present in population databases (rs121913133, gnomAD 0.003%). This sequence change replaces arginine, which is basic and polar, with histidine, which is basic and polar, at codon 247 of the HADHB protein (p.Arg247His).

GeneDx
Classification: Likely pathogenic. Last evaluated: 2017-03-09. Review status: criteria provided, single submitter. Criteria: GeneDx Variant Classification (06012015). Collection method: clinical testing. Allele origin: germline. Affected: yes.
Comment: The R247H variant was previously reported in three separate individuals with biochemical and clinicalfindings of MTP deficiency. All of these individuals were found to be heterozygous for another variantin the HADHB gene (Ushikubo et al., 1996; Spiekerkoetter et al., 2003). R247H was not observedwith any significant frequency in approximately 6500 individuals of European and African Americanancestry in the NHLBI Exome Sequencing Project. The R247H variant is a conservative amino acidsubstitution, which is not likely to impact secondary protein structure as these residues share similarproperties. This substitution occurs at a position that is conserved across species. In silico analysispredicts this variant is probably damaging to the protein structure/function. A missense variant in thesame residue (R247C) has been reported in the Human Gene Mutation Database in association withMTP deficiency (Stenson et al., 2014), supporting the functional importance of this region of theprotein. In summary, we interpret the R247H variant as likely pathogenic.

OMIM
Classification: Pathogenic for MITOCHONDRIAL TRIFUNCTIONAL PROTEIN DEFICIENCY 2. Last evaluated: 1996-05-01. Review status: no assertion criteria provided. Collection method: literature only. Allele origin: germline. Not counted in ClinVar's aggregate classification.

Literature cited by the submitters: PubMed 19699128 (cited by Labcorp Genetics (formerly Invitae), Labcorp); PubMed 8651282 (cited by Labcorp Genetics (formerly Invitae), Labcorp and OMIM); PubMed 12754706 (cited by Labcorp Genetics (formerly Invitae), Labcorp).